The following is an entry in ClinVar:

ClinVar aggregate classification (germline): Benign. Review status: criteria provided, multiple submitters, no conflicts (2 of 4 stars). 3 submissions from 3 submitters: Benign (3). Last evaluated 2018-08-21.

Conditions:
Parkinsonian-pyramidal syndrome. Also called: PARKINSON DISEASE 15, AUTOSOMAL RECESSIVE; PALLIDOPYRAMIDAL SYNDROME; PARKINSON DISEASE 15, AUTOSOMAL RECESSIVE EARLY-ONSET. Identifiers: Orphanet 171695, MedGen C1850100, MONDO:0009830, OMIM 260300.

Allele frequency attached by ClinVar (database versions not stated): 1000 Genomes Project 30x 0.07199; 1000 Genomes Project 0.07348; TOPMed 0.14223; gnomAD 0.14677 and 0.15154; gnomAD exomes 0.18451.

Submissions (3):

GeneDx
Classification: Benign. Last evaluated: 2018-08-21. Review status: criteria provided, single submitter. Criteria: GeneDx Variant Classification Process June 2021. Collection method: clinical testing. Allele origin: germline. Affected: yes.

Illumina Laboratory Services, Illumina
Classification: Benign for Parkinsonian-pyramidal syndrome. Last evaluated: 2018-01-13. Review status: criteria provided, single submitter. Criteria: ICSL Variant Classification Criteria 13 December 2019. Collection method: clinical testing. Allele origin: germline.
Comment: This variant was observed in the ICSL laboratory as part of a predisposition screen in an ostensibly healthy population. It had not been previously curated by ICSL or reported in the Human Gene Mutation Database (HGMD: prior to June 1st, 2018), and was therefore a candidate for classification through an automated scoring system. Utilizing variant allele frequency, disease prevalence and penetrance estimates, and inheritance mode, an automated score was calculated to assess if this variant is too frequent to cause the disease. Based on the score and internal cut-off values, a variant classified as benign is not then subjected to further curation. The score for this variant resulted in a classification of benign for this disease.

Breakthrough Genomics
Classification: Benign. Review status: criteria provided, single submitter. Criteria: ACMG Guidelines, 2015. Collection method: not provided. Allele origin: germline. Inheritance: Autosomal recessive inheritance. Affected: yes.

NM_012179.4(FBXO7):c.-184C>T

Gene: FBXO7 (F-box protein 7; plus strand). Cytogenetic location: 22q12.3.
Variant type: single nucleotide variant.
Coding change: c.-184C>T on transcript NM_012179.4 (MANE Select); 184 bases upstream of the start codon, C replaced by T.
Molecular consequence: 5 prime UTR variant.
Genome position (GRCh38, 1-based): chr22:32,474,819, C>T. VCF-style: chr22-32474819-C-T. GRCh37 (hg19) VCF-style: chr22-32870806-C-T.
Identifiers: ClinVar variation 341302 (VCV000341302.8), dbSNP rs11538371, ClinGen allele CA10651144.
Genomic context (GRCh38, chr22:32,474,819, plus strand): 5'-CCTCCAGCTCTCGGGGTCGGCTCCAGGAGGCGCCCTCAGGAGAGGGGCGGGCGCTCTATT[C>T]CAGAGACCGAGTGGCAGGGCGGCCACTGTGGCGGGGCTCTTTCCCCGTTTCGCCTCAGCT-3'